The following is an entry in ClinVar:

ClinVar aggregate classification (germline): Benign. Review status: criteria provided, multiple submitters, no conflicts (2 of 4 stars). 6 submissions from 6 submitters: Benign (5). 1 of the submissions does not count toward it. Last evaluated 2026-02-02.

Conditions:
Meckel-Gruber syndrome. Also called: DYSENCEPHALIA SPLANCHNOCYSTICA; GRUBER SYNDROME; Dysencephalia splachnocystica. Identifiers: Orphanet 564, MedGen C0265215, MONDO:0018921.
Joubert syndrome. Also called: CEREBELLOPARENCHYMAL DISORDER IV; JOUBERT-BOLTSHAUSER SYNDROME; Familial aplasia of the vermis. Identifiers: Orphanet 475, MedGen C5979921, MONDO:0018772.
Joubert syndrome 13 (JBTS13). Identifiers: Orphanet 475, MedGen C3280031, MONDO:0013608, OMIM 614173.

Allele frequency attached by ClinVar (database versions not stated): 1000 Genomes Project 0.02356; 1000 Genomes Project 30x 0.02655; gnomAD exomes 0.00498; ExAC 0.00581; gnomAD 0.01804 and 0.01924; ESP Exome Variant Server 0.01939; TOPMed 0.02073.

Submissions (6):

Labcorp Genetics (formerly Invitae), Labcorp
Classification: Benign for Joubert syndrome; Meckel-Gruber syndrome. Last evaluated: 2026-02-02. Review status: criteria provided, single submitter. Criteria: Invitae Variant Classification Sherloc (09022015). Collection method: clinical testing. Allele origin: germline.

Illumina Laboratory Services, Illumina
Classification: Benign for Joubert syndrome 13. Last evaluated: 2018-01-13. Review status: criteria provided, single submitter. Criteria: ICSL Variant Classification Criteria 13 December 2019. Collection method: clinical testing. Allele origin: germline.
Comment: This variant was observed in the ICSL laboratory as part of a predisposition screen in an ostensibly healthy population. It had not been previously curated by ICSL or reported in the Human Gene Mutation Database (HGMD: prior to June 1st, 2018), and was therefore a candidate for classification through an automated scoring system. Utilizing variant allele frequency, disease prevalence and penetrance estimates, and inheritance mode, an automated score was calculated to assess if this variant is too frequent to cause the disease. Based on the score and internal cut-off values, a variant classified as benign is not then subjected to further curation. The score for this variant resulted in a classification of benign for this disease.

GeneDx
Classification: Benign. Last evaluated: 2016-11-10. Review status: criteria provided, single submitter. Criteria: GeneDx Variant Classification (06012015). Collection method: clinical testing. Allele origin: germline. Affected: yes.
Comment: This variant is considered likely benign or benign based on one or more of the following criteria: it is a conservative change, it occurs at a poorly conserved position in the protein, it is predicted to be benign by multiple in silico algorithms, and/or has population frequency not consistent with disease.

Breakthrough Genomics
Classification: Benign. Review status: criteria provided, single submitter. Criteria: ACMG Guidelines, 2015. Collection method: not provided. Allele origin: germline. Inheritance: Autosomal recessive inheritance. Affected: yes.

PreventionGenetics, part of Exact Sciences
Classification: Benign. Review status: criteria provided, single submitter. Criteria: ACMG Guidelines, 2015. Collection method: clinical testing. Allele origin: germline.

Genetic Services Laboratory, University of Chicago
Classification: Likely benign. Review status: no assertion criteria provided. Collection method: clinical testing. Allele origin: germline. Inheritance: Autosomal recessive inheritance. Not counted in ClinVar's aggregate classification.
Comment: Likely benign based on allele frequency in 1000 Genomes Project or ESP global frequency and its presence in a patient with a rare or unrelated disease phenotype. NOT Sanger confirmed

NM_001082538.3(TCTN1):c.894C>T (p.Leu298=)

Gene: TCTN1 (tectonic family member 1; plus strand). Cytogenetic location: 12q24.11.
Variant type: single nucleotide variant.
Coding change: c.894C>T on transcript NM_001082538.3 (MANE Select); coding-DNA position 894, C replaced by T.
Protein change: p.Leu298=; no amino-acid change (leucine 298 retained).
Molecular consequence: synonymous variant. On other transcripts: non-coding transcript variant (1).
Genome position (GRCh38, 1-based): chr12:110,640,433, C>T. VCF-style: chr12-110640433-C-T. GRCh37 (hg19) VCF-style: chr12-111078238-C-T.
Other names: c.894C>T, p.Leu298= (NM_001082537.3, NM_001319680.2); c.726C>T, p.Leu242= (NM_001173975.3); c.714C>T, p.Leu238= (NM_001173976.2); c.360C>T, p.Leu120= (NM_001319681.2); c.852C>T, p.Leu284= (NM_024549.6).
Identifiers: ClinVar variation 160099 (VCV000160099.22), dbSNP rs16940927, ClinGen allele CA173661.
Genomic context (GRCh38, chr12:110,640,433, plus strand): 5'-CACTCTGCAGGTCCCTATCACTGTTCAGTCCATCGTCATTCAGTCTCTAAATAAAACGCT[C>T]ACCCGACGGGAGGACACTGATGTGCTGCAGCCGACTCTCGTCAACGCTGGACACTTTAGC-3'
Protein context (NP_001076007.1, residues 288-308): SIVIQSLNKT[Leu298=]TRREDTDVLQ